The following is an entry in ClinVar:

NM_001005242.3(PKP2):c.2113_2114delinsAT (p.Ala705Ile)

Gene: PKP2 (plakophilin 2; minus strand). Cytogenetic location: 12p11.21.
Variant type: Indel.
Coding change: c.2113_2114delinsAT on transcript NM_001005242.3 (MANE Select); coding-DNA positions 2113 to 2114, GC replaced by AT.
Protein change: p.Ala705Ile; replaces alanine 705 with isoleucine.
Molecular consequence: missense variant.
Genome position (GRCh38, 1-based): chr12:32,802,456-32,802,457, GC replaced by AT on the plus strand (GC replaced by AT on the coding strand, the reverse complement: PKP2 is on the minus strand). VCF-style: chr12-32802456-GC-AT. GRCh37 (hg19) VCF-style: chr12-32955390-GC-AT.
Other names: c.2245_2246delGCinsAT (NM_004572.3); c.2245_2246delinsAT, p.Ala749Ile (NM_004572.4); short protein forms A705I, A749I.
Identifiers: ClinVar variation 635229 (VCV000635229.10), dbSNP rs1565574704, ClinGen allele CA913190841.

ClinVar aggregate classification (germline): Uncertain significance. Review status: criteria provided, multiple submitters, no conflicts (2 of 4 stars). 5 submissions from 5 submitters: Uncertain significance (5). Last evaluated 2026-01-06.

Conditions:
Cardiovascular phenotype. Identifiers: MedGen CN230736.
Cardiomyopathy (CMYO). Also called: Cardiomyopathies. Identifiers: Orphanet 167848, MedGen C0878544, MONDO:0004994, HP:0001638. Inheritance: Various modes of inheritance.
Arrhythmogenic right ventricular dysplasia 9 (ARVD9). Also called: Arrhythmogenic Right Ventricular Dysplasia/Cardiomyopathy 9; ARRHYTHMOGENIC RIGHT VENTRICULAR DYSPLASIA, FAMILIAL, 9. Identifiers: MedGen C1836906, MONDO:0012180, OMIM 609040.

Submissions (5):

Labcorp Genetics (formerly Invitae), Labcorp
Classification: Uncertain significance for Arrhythmogenic right ventricular dysplasia 9. Last evaluated: 2026-01-06. Review status: criteria provided, single submitter. Criteria: Invitae Variant Classification Sherloc (09022015). Collection method: clinical testing. Allele origin: germline.
Comment: This sequence change replaces alanine, which is neutral and non-polar, with isoleucine, which is neutral and non-polar, at codon 749 of the PKP2 protein (p.Ala749Ile). The frequency data for this variant in the population databases is considered unreliable, as metrics indicate poor data quality at this position in the gnomAD database. This variant has not been reported in the literature in individuals affected with PKP2-related conditions. ClinVar contains an entry for this variant (Variation ID: 635229). An algorithm developed to predict the effect of missense changes on protein structure and function (PolyPhen-2) suggests that this variant is likely to be disruptive. In summary, the available evidence is currently insufficient to determine the role of this variant in disease. Therefore, it has been classified as a Variant of Uncertain Significance.

Color Diagnostics, LLC DBA Color Health
Classification: Uncertain significance for Cardiomyopathy. Last evaluated: 2025-08-05. Review status: criteria provided, single submitter. Criteria: ACMG Guidelines, 2015. Collection method: clinical testing. Allele origin: germline.
Comment: This missense variant replaces alanine with isoleucine at codon 749 of the PKP2 protein. To our knowledge, functional studies have not been reported for this variant. This variant has been reported in an individual affected with possible arrhythmogenic cardiomyopathy (PMID: 33652588). This variant has not been identified in the general population by the Genome Aggregation Database (gnomAD). The available evidence is insufficient to determine the role of this variant in disease conclusively. Therefore, this variant is classified as a Variant of Uncertain Significance.

Ambry Genetics
Classification: Uncertain significance for Cardiovascular phenotype. Last evaluated: 2024-01-16. Review status: criteria provided, single submitter. Criteria: Ambry Variant Classification Scheme 2023. Collection method: clinical testing. Allele origin: germline.
Comment: The c.2245_2246delGCinsAT variant, located in coding exon 11 of the PKP2 gene, results from an in-frame deletion of GC and insertion of AT at nucleotide positions 2245 to 2246. This results in the substitution of the alanine residue for an isoleucine residue at codon 749, an amino acid with similar properties. This amino acid position is highly conserved in available vertebrate species. In addition, the in silico prediction for this alteration is inconclusive (Choi Y et al. PLoS ONE. 2012; 7(10):e46688). Since supporting evidence is limited at this time, the clinical significance of this alteration remains unclear.

Fulgent Genetics
Classification: Uncertain significance for Arrhythmogenic right ventricular dysplasia 9. Last evaluated: 2021-09-14. Review status: criteria provided, single submitter. Criteria: ACMG Guidelines, 2015. Collection method: clinical testing. Allele origin: unknown.

Stanford Center for Inherited Cardiovascular Disease, Stanford University
Classification: Uncertain significance. Last evaluated: 2017-04-21. Review status: criteria provided, single submitter. Criteria: ACMG Guidelines, 2015. Collection method: provider interpretation. Allele origin: germline.

Literature cited by the submitters: PubMed 33652588 (cited by Color Diagnostics, LLC DBA Color Health).